The following is an entry in ClinVar:

ClinVar aggregate classification (germline): Likely pathogenic (1 of 4 stars; one submission).

Submission:

GeneDx
Classification: Likely pathogenic. Last evaluated: 2026-02-06. Review status: criteria provided, single submitter. Criteria: GeneDx Variant Classification Process June 2021. Collection method: clinical testing. Allele origin: germline. Affected: yes.
Comment: Not observed in large population cohorts (gnomAD); In silico analysis supports that this missense variant has a deleterious effect on protein structure/function; Has not been previously published as pathogenic or benign to our knowledge

NM_012281.3(KCND2):c.1184T>C (p.Val395Ala)

Gene: KCND2 (potassium voltage-gated channel subfamily D member 2; plus strand). Cytogenetic location: 7q31.31.
Variant type: single nucleotide variant.
Coding change: c.1184T>C on transcript NM_012281.3 (MANE Select); coding-DNA position 1184, T replaced by C.
Protein change: p.Val395Ala; replaces valine 395 with alanine.
Molecular consequence: missense variant.
Genome position (GRCh38, 1-based): chr7:120,732,971, T>C. VCF-style: chr7-120732971-T-C. GRCh37 (hg19) VCF-style: chr7-120373025-T-C.
Other names: short protein forms V395A.
Identifiers: ClinVar variation 1308937 (VCV001308937.3), dbSNP rs2116146598, ClinGen allele CA369134126.
Genomic context (GRCh38, chr7:120,732,971, plus strand): 5'-ACATGGTGCCAAAAACCATAGCAGGGAAGATTTTTGGTTCTATCTGTTCGCTGAGTGGGG[T>C]CTTGGTCATTGCTCTACCTGTTCCGGTGATTGTATCCAACTTCAGTCGCATCTACCACCA-3'
Protein context (NP_036413.1, residues 385-405): IFGSICSLSG[Val395Ala]LVIALPVPVI